The following is an entry in ClinVar:

NM_130797.4(DPP6):c.132C>T (p.Leu44=)

Gene: DPP6 (dipeptidyl peptidase like 6; plus strand). Cytogenetic location: 7q36.2.
Variant type: single nucleotide variant.
Coding change: c.132C>T on transcript NM_130797.4 (MANE Select); coding-DNA position 132, C replaced by T.
Protein change: p.Leu44=; no amino-acid change (leucine 44 retained).
Molecular consequence: synonymous variant. On other transcripts: intron variant (6).
Genome position (GRCh38, 1-based): chr7:154,052,952, C>T. VCF-style: chr7-154052952-C-T. GRCh37 (hg19) VCF-style: chr7-153750037-C-T.
Other names: c.132C>T, p.Leu44= (NM_001290253.2); c.60+303944C>T (NM_001364500.2, NM_001364499.2, NM_001364497.2 and 1 more transcripts); c.51+165218C>T (NM_001364501.2, NM_001039350.3).
Identifiers: ClinVar variation 2658248 (VCV002658248.24), dbSNP rs866677381, ClinGen allele CA169635020.

ClinVar aggregate classification (germline): Likely benign (1 of 4 stars; one submission).

Allele frequency attached by ClinVar (database versions not stated): gnomAD exomes 0.00005; 1000 Genomes Project 30x 0.00016; gnomAD 0.00028; TOPMed 0.00028.
gnomAD v4.1: 104 of 1,218,520 alleles (0.0085%); highest among the groups gnomAD compares: African/African-American, 0.089%; no homozygotes.

Submission:

CeGaT Center for Human Genetics Tuebingen
Classification: Likely benign. Last evaluated: 2022-06-01. Review status: criteria provided, single submitter. Criteria: CeGaT Center For Human Genetics Tuebingen Variant Classification Criteria Version 2. Collection method: clinical testing. Allele origin: germline. Affected: yes. Observed: 1 variant allele.
Comment: DPP6: BP4, BP7